The following is an entry in ClinVar:

NM_001365999.1(SZT2):c.9994T>C (p.Ser3332Pro)

Genes: SZT2 (SZT2 subunit of KICSTOR complex; plus strand), SZT2-AS1 (SZT2 antisense RNA 1; minus strand). Cytogenetic location: 1p34.2.
Variant type: single nucleotide variant.
Coding change: c.9994T>C on transcript NM_001365999.1 (MANE Select); coding-DNA position 9994, T replaced by C.
Protein change: p.Ser3332Pro; replaces serine 3332 with proline.
Molecular consequence: missense variant. On other transcripts: non-coding transcript variant (1).
Genome position (GRCh38, 1-based): chr1:43,448,636, T>C. VCF-style: chr1-43448636-T-C. GRCh37 (hg19) VCF-style: chr1-43914307-T-C.
Other names: c.9823T>C, p.Ser3275Pro (NM_015284.4); short protein forms S3275P, S3332P.
Identifiers: ClinVar variation 3375878 (VCV003375878.1).

ClinVar aggregate classification (germline): Uncertain significance (1 of 4 stars; one submission).

Submission:

GeneDx
Classification: Uncertain significance. Last evaluated: 2024-05-06. Review status: criteria provided, single submitter. Criteria: GeneDx Variant Classification Process June 2021. Collection method: clinical testing. Allele origin: germline. Affected: yes.
Comment: Not observed at significant frequency in large population cohorts (gnomAD); In silico analysis indicates that this missense variant does not alter protein structure/function; Has not been previously published as pathogenic or benign to our knowledge